The following is an entry in ClinVar:

ClinVar aggregate classification (germline): Likely benign (1 of 4 stars; one submission).

Allele frequency attached by ClinVar (database versions not stated): gnomAD 0.00007; TOPMed 0.00011; gnomAD exomes 0.00012; ExAC 0.00034; ESP Exome Variant Server 0.00039.
gnomAD v4.1: 192 of 1,575,782 alleles (0.012%); highest among the groups gnomAD compares: Non-Finnish European, 0.011%; 1 homozygote.

Submission:

CeGaT Center for Human Genetics Tuebingen
Classification: Likely benign. Last evaluated: 2026-06-01. Review status: criteria provided, single submitter. Criteria: CeGaT Center For Human Genetics Tuebingen Variant Classification Criteria Version 2. Collection method: clinical testing. Allele origin: germline. Affected: yes. Observed: 2 variant alleles.
Comment: CACNA1I: BP4, BP7

NM_021096.4(CACNA1I):c.5229C>T (p.Asp1743=)

Gene: CACNA1I (calcium voltage-gated channel subunit alpha1 I; plus strand). Cytogenetic location: 22q13.1.
Variant type: single nucleotide variant.
Coding change: c.5229C>T on transcript NM_021096.4 (MANE Select); coding-DNA position 5229, C replaced by T.
Protein change: p.Asp1743=; no amino-acid change (aspartic acid 1743 retained).
Molecular consequence: synonymous variant.
Genome position (GRCh38, 1-based): chr22:39,679,280, C>T. VCF-style: chr22-39679280-C-T. GRCh37 (hg19) VCF-style: chr22-40075285-C-T.
Other names: c.5124C>T, p.Asp1708= (NM_001003406.2).
Identifiers: ClinVar variation 2653161 (VCV002653161.24), dbSNP rs371218079, ClinGen allele CA10244937.